The following is an entry in ClinVar:

ClinVar aggregate classification (germline): Likely pathogenic (1 of 4 stars; one submission).

Conditions:
Primary ciliary dyskinesia. Also called: Ciliary dyskinesia. Identifiers: Orphanet 244, MedGen C0008780, MONDO:0016575, HP:0012265.

Submission:

Labcorp Genetics (formerly Invitae), Labcorp
Classification: Likely pathogenic for Primary ciliary dyskinesia. Last evaluated: 2023-09-30. Review status: criteria provided, single submitter. Criteria: Invitae Variant Classification Sherloc (09022015). Collection method: clinical testing. Allele origin: germline.
Comment: In summary, the currently available evidence indicates that the variant is pathogenic, but additional data are needed to prove that conclusively. Therefore, this variant has been classified as Likely Pathogenic. Algorithms developed to predict the effect of sequence changes on RNA splicing suggest that this variant may disrupt the consensus splice site. This variant has not been reported in the literature in individuals affected with DNAH5-related conditions. This variant is not present in population databases (gnomAD no frequency). This sequence change affects a donor splice site in intron 65 of the DNAH5 gene. It is expected to disrupt RNA splicing. Variants that disrupt the donor or acceptor splice site typically lead to a loss of protein function (PMID: 16199547), and loss-of-function variants in DNAH5 are known to be pathogenic (PMID: 11788826, 16627867).

Literature cited by the submitters: PubMed 16199547; PubMed 11788826; PubMed 16627867.

NM_001369.3(DNAH5):c.11211+2T>C

Gene: DNAH5 (dynein axonemal heavy chain 5; minus strand). Cytogenetic location: 5p15.2.
Variant type: single nucleotide variant.
Coding change: c.11211+2T>C on transcript NM_001369.3 (MANE Select); the canonical splice donor site of the intron after coding-DNA position 11211, T replaced by C.
Molecular consequence: splice donor variant.
Genome position (GRCh38, 1-based): chr5:13,751,076, A>G on the plus strand (T>C on the coding strand, the complement: DNAH5 is on the minus strand). VCF-style: chr5-13751076-A-G. GRCh37 (hg19) VCF-style: chr5-13751185-A-G.
Identifiers: ClinVar variation 2764548 (VCV002764548.3), dbSNP rs2546607933, ClinGen allele CA359188795.